The following is an entry in ClinVar:

ClinVar aggregate classification (germline): Uncertain significance. Review status: criteria provided, multiple submitters, no conflicts (2 of 4 stars). 3 submissions from 3 submitters: Uncertain significance (3). Last evaluated 2024-10-21.

Conditions:
Hereditary nonpolyposis colorectal neoplasms. Identifiers: MedGen C0009405, MeSH D003123.
Mismatch repair cancer syndrome 3. Identifiers: MedGen C5436807, MONDO:0030841, OMIM 619097.
Endometrial carcinoma. Also called: Endometrial carcinoma, somatic. Identifiers: MedGen C0476089, MONDO:0002447, OMIM 608089, HP:0012114.
Lynch syndrome 5 (LYNCH5). Also called: Colorectal cancer, hereditary nonpolyposis, type 5; Hereditary non-polyposis colorectal cancer, type 5. Identifiers: Orphanet 144, MedGen C1833477, MONDO:0013710, OMIM 614350. Disease mechanism: loss of function.
Hereditary cancer-predisposing syndrome. Also called: Neoplastic Syndromes, Hereditary; Hereditary Cancer Syndrome; Tumor predisposition; Hereditary neoplastic syndrome. Identifiers: Orphanet 140162, MedGen C0027672, MeSH D009386, MONDO:0015356.

Submissions (3):

Department of Pathology and Laboratory Medicine, Sinai Health System
Classification: Uncertain significance for Endometrial carcinoma; Lynch syndrome 5; Mismatch repair cancer syndrome 3. Last evaluated: 2024-10-21. Review status: criteria provided, single submitter. Criteria: ACMG Guidelines, 2015. Collection method: clinical testing. Allele origin: germline.

Labcorp Genetics (formerly Invitae), Labcorp
Classification: Uncertain significance for Hereditary nonpolyposis colorectal neoplasms. Last evaluated: 2021-09-04. Review status: criteria provided, single submitter. Criteria: Invitae Variant Classification Sherloc (09022015). Collection method: clinical testing. Allele origin: germline.
Comment: In summary, the available evidence is currently insufficient to determine the role of this variant in disease. Therefore, it has been classified as a Variant of Uncertain Significance. Advanced modeling of protein sequence and biophysical properties (such as structural, functional, and spatial information, amino acid conservation, physicochemical variation, residue mobility, and thermodynamic stability) performed at Invitae indicates that this missense variant is not expected to disrupt MSH6 protein function. This variant has not been reported in the literature in individuals affected with MSH6-related conditions. This variant is not present in population databases (ExAC no frequency). This sequence change replaces aspartic acid with glycine at codon 629 of the MSH6 protein (p.Asp629Gly). The aspartic acid residue is highly conserved and there is a moderate physicochemical difference between aspartic acid and glycine.

Ambry Genetics
Classification: Uncertain significance for Hereditary cancer-predisposing syndrome. Last evaluated: 2020-09-30. Review status: criteria provided, single submitter. Criteria: Ambry Variant Classification Scheme 2023. Collection method: clinical testing. Allele origin: germline.
Comment: The p.D629G variant (also known as c.1886A>G), located in coding exon 4 of the MSH6 gene, results from an A to G substitution at nucleotide position 1886. The aspartic acid at codon 629 is replaced by glycine, an amino acid with similar properties. This amino acid position is well conserved in available vertebrate species. In addition, the in silico prediction for this alteration is inconclusive. Since supporting evidence is limited at this time, the clinical significance of this alteration remains unclear.

NM_000179.3(MSH6):c.1886A>G (p.Asp629Gly)

Gene: MSH6 (mutS homolog 6; plus strand). Cytogenetic location: 2p16.3.
Variant type: single nucleotide variant.
Coding change: c.1886A>G on transcript NM_000179.3 (MANE Select); coding-DNA position 1886, A replaced by G.
Protein change: p.Asp629Gly; replaces aspartic acid 629 with glycine.
Molecular consequence: missense variant.
Genome position (GRCh38, 1-based): chr2:47,799,869, A>G. VCF-style: chr2-47799869-A-G. GRCh37 (hg19) VCF-style: chr2-48027008-A-G.
Other names: c.1496A>G, p.Asp499Gly (NM_001281492.2); c.980A>G, p.Asp327Gly (NM_001281493.2, NM_001281494.2); short protein forms D499G, D327G, D629G.
Identifiers: ClinVar variation 1476429 (VCV001476429.9), dbSNP rs2104373880, ClinGen allele CA346750007.